The following is an entry in ClinVar:

NM_000540.3(RYR1):c.5020G>A (p.Ala1674Thr)

Gene: RYR1 (ryanodine receptor 1; plus strand). Cytogenetic location: 19q13.2.
Variant type: single nucleotide variant.
Coding change: c.5020G>A on transcript NM_000540.3 (MANE Select); coding-DNA position 5020, G replaced by A.
Protein change: p.Ala1674Thr; replaces alanine 1674 with threonine.
Molecular consequence: missense variant.
Genome position (GRCh38, 1-based): chr19:38,485,675, G>A. VCF-style: chr19-38485675-G-A. GRCh37 (hg19) VCF-style: chr19-38976315-G-A.
Other names: c.5020G>A, p.Ala1674Thr (NM_001042723.2); short protein forms A1674T.
Identifiers: ClinVar variation 544425 (VCV000544425.18), dbSNP rs1460141666, ClinGen allele CA405653136.
Genomic context (GRCh38, chr19:38,485,675, plus strand): 5'-GAGCGCCTGGACCTGCAGCGCTTCCACTCGCACACCCTGCGCCTCTACCGCGCTGTGTGC[G>A]CCCTGGGCAACAATCGCGTGGCGCACGCTCTGTGCAGCCACGTAGACCAAGCTCAGCTGC-3'
Protein context (NP_000531.2, residues 1664-1684): HTLRLYRAVC[Ala1674Thr]LGNNRVAHAL

ClinVar aggregate classification (germline): Uncertain significance. Review status: criteria provided, multiple submitters, no conflicts (2 of 4 stars). 4 submissions from 4 submitters: Uncertain significance (4). Last evaluated 2025-08-24.

Conditions:
Long QT syndrome (LQTS). Identifiers: MedGen C0023976, MeSH D008133, MONDO:0002442. Disease mechanism: loss of function. Inheritance: Various modes of inheritance.
Malignant hyperthermia, susceptibility to, 1 (MHS1). Also called: RYR1-Related Malignant Hyperthermia Susceptibility; Anesthesia related hyperthermia; Malignant hyperpyrexia; Fulminating hyperpyrexia; Pharmacogenic myopathy; Malignant hyperthermia suceptibility 1. Identifiers: Orphanet 423, MedGen C2930980, MONDO:0007783, OMIM 145600.
RYR1-related disorder. Also called: RYR1-related condition; RYR1-related disorders. Identifiers: MedGen CN239331.

Allele frequency attached by ClinVar (database versions not stated): gnomAD exomes below 0.00001; TOPMed below 0.00001; gnomAD 0.00001.
gnomAD v4.1: 5 of 1,610,610 alleles (0.00031%); highest among the groups gnomAD compares: Non-Finnish European, 0.00034%; no homozygotes.

Submissions (4):

Labcorp Genetics (formerly Invitae), Labcorp
Classification: Uncertain significance for RYR1-related disorder. Last evaluated: 2025-08-24. Review status: criteria provided, single submitter. Criteria: Invitae Variant Classification Sherloc (09022015). Collection method: clinical testing. Allele origin: germline.
Comment: This sequence change replaces alanine, which is neutral and non-polar, with threonine, which is neutral and polar, at codon 1674 of the RYR1 protein (p.Ala1674Thr). This variant is present in population databases (no rsID available, gnomAD 0.006%). This variant has not been reported in the literature in individuals affected with RYR1-related conditions. ClinVar contains an entry for this variant (Variation ID: 544425). Invitae Evidence Modeling of protein sequence and biophysical properties (such as structural, functional, and spatial information, amino acid conservation, physicochemical variation, residue mobility, and thermodynamic stability) indicates that this missense variant is not expected to disrupt RYR1 protein function with a negative predictive value of 80%. In summary, the available evidence is currently insufficient to determine the role of this variant in disease. Therefore, it has been classified as a Variant of Uncertain Significance.

All of Us Research Program, National Institutes of Health
Classification: Uncertain significance for Malignant hyperthermia, susceptibility to, 1. Last evaluated: 2024-07-02. Review status: criteria provided, single submitter. Criteria: ACMG Guidelines, 2015. Collection method: clinical testing. Allele origin: germline. Inheritance: Autosomal dominant inheritance. Observed: 5 variant alleles, 5 heterozygotes.
Comment: This missense variant replaces alanine with threonine at codon 1674 of the RYR1 protein. Computational prediction suggests that this variant may have deleterious impact on protein structure and function. To our knowledge, functional studies have not been reported for this variant. This variant has not been reported in individuals affected with RYR1-related disorders in the literature. This variant has been identified in 1/245948 chromosomes in the general population by the Genome Aggregation Database (gnomAD). The available evidence is insufficient to determine the role of this variant in disease conclusively. Therefore, this variant is classified as a Variant of Uncertain Significance.

This study involves interpretation of variants in research participants for the purpose of population health screening. Participant phenotype was not available at the time of variant classification. Additional details can be found in publication PMID: 35346344, PMCID: PMC8962531

Dept of Medical Biology, Uskudar University
Classification: Uncertain significance for Long QT syndrome. Last evaluated: 2024-01-08. Review status: criteria provided, single submitter. Criteria: Dept of Medical Biology Variant Classification. Collection method: research. Allele origin: paternal. Affected: yes. Observed: 1 variant allele.
Comment: Criteria: PM2, PP3

Eurofins Ntd Llc (ga)
Classification: Uncertain significance. Last evaluated: 2017-10-13. Review status: criteria provided, single submitter. Criteria: EGL Classification Definitions 2015. Collection method: clinical testing. Allele origin: germline. Observed: 1 variant allele, 1 heterozygote.